The following is an entry in ClinVar:

NM_000081.4(LYST):c.2062T>G (p.Trp688Gly)

Gene: LYST (lysosomal trafficking regulator; minus strand). Cytogenetic location: 1q42.3.
Variant type: single nucleotide variant.
Coding change: c.2062T>G on transcript NM_000081.4 (MANE Select); coding-DNA position 2062, T replaced by G.
Protein change: p.Trp688Gly; replaces tryptophan 688 with glycine.
Molecular consequence: missense variant.
Genome position (GRCh38, 1-based): chr1:235,808,756, A>C on the plus strand (T>G on the coding strand, the complement: LYST is on the minus strand). VCF-style: chr1-235808756-A-C. GRCh37 (hg19) VCF-style: chr1-235972056-A-C.
Other names: c.2062T>G, p.Trp688Gly (NM_001301365.1); short protein forms W688G.
Identifiers: ClinVar variation 4847469 (VCV004847469.1).
Genomic context (GRCh38, chr1:235,808,756, plus strand): 5'-TATGTAATCTGTCTTCTTCAAAAACAAAGTTCTGATAAGCCTTTAAAGCATCCCATTTCC[A>C]CAACAAATCTTCAGATCCACTGCTGGGCAGGATCCCTTGAAATCTGTAAGAAGGACTGGA-3'
Protein context (NP_000072.2, residues 678-698): LPSSGSEDLL[Trp688Gly]KWDALKAYQN

ClinVar aggregate classification (germline): Uncertain significance (1 of 4 stars; one submission).

gnomAD v4.1: 24 of 1,614,006 alleles (0.0015%); highest among the groups gnomAD compares: Non-Finnish European, 0.002%; no homozygotes.

Submission:

Women's Health and Genetics/Laboratory Corporation of America, LabCorp
Classification: Uncertain significance. Last evaluated: 2026-03-04. Review status: criteria provided, single submitter. Criteria: LabCorp Variant Classification Summary - May 2015. Collection method: clinical testing. Allele origin: germline.
Comment: Variant summary: LYST c.2062T>G (p.Trp688Gly) results in a non-conservative amino acid change in the encoded protein sequence. Algorithms developed to predict the effect of missense changes on protein structure and function are either unavailable or do not agree on the potential impact of this missense change. The variant was absent in 249562 control chromosomes. The available data on variant occurrences in the general population are insufficient to allow any conclusion about variant significance. To our knowledge, no occurrence of c.2062T>G in individuals affected with LYST-related conditions and no experimental evidence demonstrating its impact on protein function have been reported. No submitters have cited clinical-significance assessments for this variant to ClinVar. Based on the evidence outlined above, the variant was classified as uncertain significance.